The following is an entry in ClinVar:

NM_006158.5(NEFL):c.1379C>T (p.Ala460Val)

Gene: NEFL (neurofilament light chain; minus strand). Cytogenetic location: 8p21.2.
Variant type: single nucleotide variant.
Coding change: c.1379C>T on transcript NM_006158.5 (MANE Select); coding-DNA position 1379, C replaced by T.
Protein change: p.Ala460Val; replaces alanine 460 with valine.
Molecular consequence: missense variant.
Genome position (GRCh38, 1-based): chr8:24,953,586, G>A on the plus strand (C>T on the coding strand, the complement: NEFL is on the minus strand). VCF-style: chr8-24953586-G-A. GRCh37 (hg19) VCF-style: chr8-24811100-G-A.
Other names: short protein forms A460V.
Identifiers: ClinVar variation 1357129 (VCV001357129.6), dbSNP rs2117251550, ClinGen allele CA370620057.

ClinVar aggregate classification (germline): Uncertain significance (1 of 4 stars; one submission).

Conditions:
Charcot-Marie-Tooth disease type 2E (CMT2E). Also called: CHARCOT-MARIE-TOOTH DISEASE, AXONAL, TYPE 2E; CHARCOT-MARIE-TOOTH NEUROPATHY, TYPE 2E. Identifiers: Orphanet 99939, MedGen C1843225, MONDO:0011894, OMIM 607684.

Submission:

Labcorp Genetics (formerly Invitae), Labcorp
Classification: Uncertain significance for Charcot-Marie-Tooth disease type 2E. Last evaluated: 2020-12-18. Review status: criteria provided, single submitter. Criteria: Invitae Variant Classification Sherloc (09022015). Collection method: clinical testing. Allele origin: germline.
Comment: In summary, the available evidence is currently insufficient to determine the role of this variant in disease. Therefore, it has been classified as a Variant of Uncertain Significance. Experimental studies and prediction algorithms are not available or were not evaluated, and the functional significance of this variant is currently unknown. This variant has not been reported in the literature in individuals with NEFL-related conditions. This variant is not present in population databases (ExAC no frequency). This sequence change replaces alanine with valine at codon 460 of the NEFL protein (p.Ala460Val). The alanine residue is highly conserved and there is a small physicochemical difference between alanine and valine.